The following is an entry in ClinVar:

NM_000553.6(WRN):c.724+3A>G

Gene: WRN (WRN RecQ like helicase; plus strand). Cytogenetic location: 8p12.
Variant type: single nucleotide variant.
Coding change: c.724+3A>G on transcript NM_000553.6 (MANE Select); 3 bases into the intron after coding-DNA position 724, A replaced by G.
Molecular consequence: intron variant.
Genome position (GRCh38, 1-based): chr8:31,068,330, A>G. VCF-style: chr8-31068330-A-G. GRCh37 (hg19) VCF-style: chr8-30925846-A-G.
Identifiers: ClinVar variation 570090 (VCV000570090.7), dbSNP rs1563332030, ClinGen allele CA891843258.

ClinVar aggregate classification (germline): Uncertain significance (1 of 4 stars; one submission).

Conditions:
Werner syndrome (WRN). Identifiers: Orphanet 902, MedGen C0043119, MONDO:0010196, OMIM 277700.

Submission:

Labcorp Genetics (formerly Invitae), Labcorp
Classification: Uncertain significance for Werner syndrome. Last evaluated: 2025-10-01. Review status: criteria provided, single submitter. Criteria: Invitae Variant Classification Sherloc (09022015). Collection method: clinical testing. Allele origin: germline.
Comment: This sequence change falls in intron 7 of the WRN gene. It does not directly change the encoded amino acid sequence of the WRN protein. It affects a nucleotide within the consensus splice site. This variant is not present in population databases (gnomAD no frequency). This variant has not been reported in the literature in individuals affected with WRN-related conditions. ClinVar contains an entry for this variant (Variation ID: 570090). Variants that disrupt the consensus splice site are a relatively common cause of aberrant splicing (PMID: 17576681, 9536098). Algorithms developed to predict the effect of sequence changes on RNA splicing suggest that this variant may disrupt the consensus splice site. In summary, the available evidence is currently insufficient to determine the role of this variant in disease. Therefore, it has been classified as a Variant of Uncertain Significance.

Literature cited by the submitters: PubMed 17576681; PubMed 9536098.